The following is an entry in ClinVar:

NM_000548.5(TSC2):c.1947-10_1947-9delinsTT

Gene: TSC2 (TSC complex subunit 2; plus strand). Cytogenetic location: 16p13.3.
Variant type: Indel.
Coding change: c.1947-10_1947-9delinsTT on transcript NM_000548.5 (MANE Select); 10 bases into the intron before coding-DNA position 1947 through 9 bases into the intron before coding-DNA position 1947, GC replaced by TT.
Molecular consequence: intron variant.
Genome position (GRCh38, 1-based): chr16:2,071,774-2,071,775, GC replaced by TT. VCF-style: chr16-2071774-GC-TT. GRCh37 (hg19) VCF-style: chr16-2121775-GC-TT.
Other names: c.1947-10_1947-9delinsTT (NM_001114382.3, NM_001406663.1, NM_001406664.1 and 6 more transcripts); c.603-10_603-9delinsTT (NM_001406694.1, NM_001406695.1, NM_001406696.1 and 6 more transcripts); c.1935-10_1935-9delinsTT (NM_001406671.1, NM_001406673.1); c.1485-10_1485-9delinsTT (NM_001406681.1); c.1836-10_1836-9delinsTT (NM_001406670.1, NM_001318827.2, NM_001406678.1); c.1347-10_1347-9delinsTT (NM_001406682.1, NM_001406684.1, NM_001406685.1 and 6 more transcripts); c.1890-10_1890-9delinsTT (NM_001406677.1); c.1800-10_1800-9delinsTT (NM_001406675.1, NM_001406676.1, NM_001318829.2 and 1 more transcripts); and 3 more.
Identifiers: ClinVar variation 4071085 (VCV004071085.1).

ClinVar aggregate classification (germline): Likely benign (1 of 4 stars; one submission).

Conditions:
Tuberous sclerosis 2 (TSC2). Identifiers: Orphanet 805, MedGen C1860707, MONDO:0013199, OMIM 613254.

Submission:

Myriad Genetics, Inc.
Classification: Likely benign for Tuberous sclerosis 2. Last evaluated: 2025-05-16. Review status: criteria provided, single submitter. Criteria: Myriad Autosomal Dominant, Autosomal Recessive and X-Linked Classification Criteria (2023). Collection method: clinical testing. Allele origin: unknown.
Comment: This variant is considered likely benign. This variant is intronic and is not expected to impact mRNA splicing.